The following is an entry in ClinVar:

ClinVar aggregate classification (germline): Uncertain significance (1 of 4 stars; one submission).

Allele frequency attached by ClinVar (database versions not stated): TOPMed 0.00001.
gnomAD v4.1: 10 of 1,573,280 alleles (0.00064%); highest among the groups gnomAD compares: Admixed American, 0.013%; no homozygotes.

Submission:

Labcorp Genetics (formerly Invitae), Labcorp
Classification: Uncertain significance. Last evaluated: 2025-09-01. Review status: criteria provided, single submitter. Criteria: Invitae Variant Classification Sherloc (09022015). Collection method: clinical testing. Allele origin: germline.
Comment: This sequence change replaces arginine, which is basic and polar, with cysteine, which is neutral and slightly polar, at codon 64 of the ZCCHC8 protein (p.Arg64Cys). The frequency data for this variant in the population databases is considered unreliable, as metrics indicate poor data quality at this position in the gnomAD database. This variant has not been reported in the literature in individuals affected with ZCCHC8-related conditions. ClinVar contains an entry for this variant (Variation ID: 2738629). Invitae Evidence Modeling of protein sequence and biophysical properties (such as structural, functional, and spatial information, amino acid conservation, physicochemical variation, residue mobility, and thermodynamic stability) indicates that this missense variant is not expected to disrupt ZCCHC8 protein function with a negative predictive value of 80%. In summary, the available evidence is currently insufficient to determine the role of this variant in disease. Therefore, it has been classified as a Variant of Uncertain Significance.

NM_017612.5(ZCCHC8):c.190C>T (p.Arg64Cys)

Gene: ZCCHC8 (zinc finger CCHC-type containing 8; minus strand). Cytogenetic location: 12q24.31.
Variant type: single nucleotide variant.
Coding change: c.190C>T on transcript NM_017612.5 (MANE Select); coding-DNA position 190, C replaced by T.
Protein change: p.Arg64Cys; replaces arginine 64 with cysteine.
Molecular consequence: missense variant. On other transcripts: 5 prime UTR variant (3).
Genome position (GRCh38, 1-based): chr12:122,500,651, G>A on the plus strand (C>T on the coding strand, the complement: ZCCHC8 is on the minus strand). VCF-style: chr12-122500651-G-A. GRCh37 (hg19) VCF-style: chr12-122985198-G-A.
Other names: c.190C>T, p.Arg64Cys (NM_001350935.2); c.-734C>T (NM_001350936.2); c.-355C>T (NM_001350937.2); c.-249C>T (NM_001350938.2); short protein forms R64C.
Identifiers: ClinVar variation 2738629 (VCV002738629.3), dbSNP rs747147354, ClinGen allele CA6846520.